The following is an entry in ClinVar:

ClinVar aggregate classification (germline): Uncertain significance. Review status: criteria provided, multiple submitters, no conflicts (2 of 4 stars). 2 submissions from 2 submitters: Uncertain significance (2). Last evaluated 2022-05-26.

Conditions:
Hereditary cancer-predisposing syndrome. Also called: Neoplastic Syndromes, Hereditary; Tumor predisposition; Hereditary Cancer Syndrome; Hereditary neoplastic syndrome. Identifiers: Orphanet 140162, MedGen C0027672, MeSH D009386, MONDO:0015356.
Hereditary nonpolyposis colorectal neoplasms. Identifiers: MedGen C0009405, MeSH D003123.

Submissions (2):

Labcorp Genetics (formerly Invitae), Labcorp
Classification: Uncertain significance for Hereditary nonpolyposis colorectal neoplasms. Last evaluated: 2022-05-26. Review status: criteria provided, single submitter. Criteria: Invitae Variant Classification Sherloc (09022015). Collection method: clinical testing. Allele origin: germline.
Comment: In summary, the available evidence is currently insufficient to determine the role of this variant in disease. Therefore, it has been classified as a Variant of Uncertain Significance. This sequence change replaces aspartic acid, which is acidic and polar, with tyrosine, which is neutral and polar, at codon 222 of the MSH6 protein (p.Asp222Tyr). This variant is not present in population databases (gnomAD no frequency). This variant has not been reported in the literature in individuals affected with MSH6-related conditions. Advanced modeling of protein sequence and biophysical properties (such as structural, functional, and spatial information, amino acid conservation, physicochemical variation, residue mobility, and thermodynamic stability) performed at Invitae indicates that this missense variant is not expected to disrupt MSH6 protein function.

Ambry Genetics
Classification: Uncertain significance for Hereditary cancer-predisposing syndrome. Last evaluated: 2019-03-14. Review status: criteria provided, single submitter. Criteria: Ambry Variant Classification Scheme 2023. Collection method: clinical testing. Allele origin: germline.
Comment: The p.D222Y variant (also known as c.664G>T), located in coding exon 4 of the MSH6 gene, results from a G to T substitution at nucleotide position 664. The aspartic acid at codon 222 is replaced by tyrosine, an amino acid with highly dissimilar properties. This amino acid position is well conserved in available vertebrate species. In addition, this alteration is predicted to be tolerated by in silico analysis. In addition, the CoDP in silico tool predicts this alteration to have minor impact on molecular function, with a score of 0.001 (Terui H et al. J. Biomed. Sci. 2013 Apr;20:25). Since supporting evidence is limited at this time, the clinical significance of this alteration remains unclear.

NM_000179.3(MSH6):c.664G>T (p.Asp222Tyr)

Gene: MSH6 (mutS homolog 6; plus strand). Cytogenetic location: 2p16.3.
Variant type: single nucleotide variant.
Coding change: c.664G>T on transcript NM_000179.3 (MANE Select); coding-DNA position 664, G replaced by T.
Protein change: p.Asp222Tyr; replaces aspartic acid 222 with tyrosine.
Molecular consequence: missense variant. On other transcripts: 5 prime UTR variant (2).
Genome position (GRCh38, 1-based): chr2:47,798,647, G>T. VCF-style: chr2-47798647-G-T. GRCh37 (hg19) VCF-style: chr2-48025786-G-T.
Other names: c.664G>T, p.Asp222Tyr (NM_001406817.1, NM_001406796.1, NM_001406798.1 and 4 more transcripts); c.367G>T, p.Asp123Tyr (NM_001406818.1, NM_001406820.1, NM_001406819.1 and 10 more transcripts); c.-243G>T (NM_001406823.1, NM_001281493.2, NM_001281494.2 and 6 more transcripts); c.274G>T, p.Asp92Tyr (NM_001281492.2); c.760G>T, p.Asp254Tyr (NM_001406795.1, NM_001406802.1); c.139G>T, p.Asp47Tyr (NM_001406799.1, NM_001406806.1, NM_001406807.1); c.586G>T, p.Asp196Tyr (NM_001406804.1); c.670G>T, p.Asp224Tyr (NM_001406813.1); and 1 more; short protein forms D196Y, D254Y, D224Y, D166Y, D47Y, D123Y, D222Y, D92Y.
Identifiers: ClinVar variation 1754689 (VCV001754689.7), dbSNP rs1669243103, ClinGen allele CA346739380.